The following is an entry in ClinVar:

NM_001367721.1(CASK):c.430C>T (p.Pro144Ser)

Gene: CASK (calcium/calmodulin dependent serine protein kinase; minus strand). Cytogenetic location: Xp11.4.
Variant type: single nucleotide variant.
Coding change: c.430C>T on transcript NM_001367721.1 (MANE Select); coding-DNA position 430, C replaced by T.
Protein change: p.Pro144Ser; replaces proline 144 with serine.
Molecular consequence: missense variant.
Genome position (GRCh38, 1-based): chrX:41,671,530, G>A on the plus strand (C>T on the coding strand, the complement: CASK is on the minus strand). VCF-style: chrX-41671530-G-A. GRCh37 (hg19) VCF-style: chrX-41530783-G-A.
Other names: c.430C>T, p.Pro144Ser (NM_001126054.3, NM_001126055.3, NM_001410745.1 and 1 more transcripts); short protein forms P144S.
Identifiers: ClinVar variation 1375332 (VCV001375332.6), dbSNP rs2147495797, ClinGen allele CA412999115.
Genomic context (GRCh38, chrX:41,671,530, plus strand): 5'-CAAAGCCTCCAAGTTTAACAGGTGCCGAGTTTTCTTTTGAGGCAAGGAGAACACAGTGGG[G>A]CTGAAAAGAAAAACAGACGAACAAACAAACAAAAAACAAACCCGAAGATAAGGATTCATT-3'
Protein context (NP_001354650.1, residues 134-154): DNNIIHRDVK[Pro144Ser]HCVLLASKEN

ClinVar aggregate classification (germline): Uncertain significance (1 of 4 stars; one submission).

Conditions:
Intellectual disability, CASK-related, X-linked. Identifiers: MedGen CN043158.

Submission:

Labcorp Genetics (formerly Invitae), Labcorp
Classification: Uncertain significance for Intellectual disability, CASK-related, X-linked. Last evaluated: 2024-05-15. Review status: criteria provided, single submitter. Criteria: Invitae Variant Classification Sherloc (09022015). Collection method: clinical testing. Allele origin: germline.
Comment: This sequence change replaces proline, which is neutral and non-polar, with serine, which is neutral and polar, at codon 144 of the CASK protein (p.Pro144Ser). This variant is not present in population databases (gnomAD no frequency). This variant has not been reported in the literature in individuals affected with CASK-related conditions. ClinVar contains an entry for this variant (Variation ID: 1375332). An algorithm developed to predict the effect of missense changes on protein structure and function (PolyPhen-2) suggests that this variant is likely to be disruptive. In summary, the available evidence is currently insufficient to determine the role of this variant in disease. Therefore, it has been classified as a Variant of Uncertain Significance.